The following is an entry in ClinVar:

ClinVar aggregate classification (germline): Uncertain significance (1 of 4 stars; one submission).

Allele frequency attached by ClinVar (database versions not stated): gnomAD exomes 0.00001; gnomAD 0.00002 and 0.00007; TOPMed 0.00007.
gnomAD v4.1: 28 of 1,551,582 alleles (0.0018%); highest among the groups gnomAD compares: Non-Finnish European, 0.0012%; no homozygotes.

Submission:

Labcorp Genetics (formerly Invitae), Labcorp
Classification: Uncertain significance. Last evaluated: 2022-07-26. Review status: criteria provided, single submitter. Criteria: Invitae Variant Classification Sherloc (09022015). Collection method: clinical testing. Allele origin: germline.
Comment: This sequence change replaces tyrosine, which is neutral and polar, with cysteine, which is neutral and slightly polar, at codon 1390 of the UNC80 protein (p.Tyr1390Cys). This variant is present in population databases (no rsID available, gnomAD 0.002%). This variant has not been reported in the literature in individuals affected with UNC80-related conditions. ClinVar contains an entry for this variant (Variation ID: 1489430). Algorithms developed to predict the effect of missense changes on protein structure and function are either unavailable or do not agree on the potential impact of this missense change (SIFT: "Not Available"; PolyPhen-2: "Probably Damaging"; Align-GVGD: "Not Available"). Algorithms developed to predict the effect of sequence changes on RNA splicing suggest that this variant may create or strengthen a splice site. In summary, the available evidence is currently insufficient to determine the role of this variant in disease. Therefore, it has been classified as a Variant of Uncertain Significance.

NM_001371986.1(UNC80):c.4163A>G (p.Tyr1388Cys)

Gene: UNC80 (unc-80 homolog, NALCN channel complex subunit; plus strand). Cytogenetic location: 2q34.
Variant type: single nucleotide variant.
Coding change: c.4163A>G on transcript NM_001371986.1 (MANE Select); coding-DNA position 4163, A replaced by G.
Protein change: p.Tyr1388Cys; replaces tyrosine 1388 with cysteine.
Molecular consequence: missense variant.
Genome position (GRCh38, 1-based): chr2:209,888,147, A>G. VCF-style: chr2-209888147-A-G. GRCh37 (hg19) VCF-style: chr2-210752871-A-G.
Other names: c.4169A>G, p.Tyr1390Cys (NM_032504.2); c.4154A>G, p.Tyr1385Cys (NM_182587.4); short protein forms Y1388C, Y1385C, Y1390C.
Identifiers: ClinVar variation 1489430 (VCV001489430.3), dbSNP rs1010694010, ClinGen allele CA65037019.